The following is an entry in ClinVar:

ClinVar aggregate classification (germline): Uncertain significance (1 of 4 stars; one submission).

gnomAD v4.1: 14 of 1,584,650 alleles (0.00088%); highest among the groups gnomAD compares: African/African-American, 0.0013%; no homozygotes.

Submission:

Ambry Genetics
Classification: Uncertain significance. Last evaluated: 2024-12-06. Review status: criteria provided, single submitter. Criteria: Ambry Variant Classification Scheme 2023. Collection method: clinical testing. Allele origin: germline.
Comment: The p.E2169K variant (also known as c.6505G>A), located in coding exon 27 of the WNK2 gene, results from a G to A substitution at nucleotide position 6505. The glutamic acid at codon 2169 is replaced by lysine, an amino acid with similar properties. This amino acid position is conserved. In addition, the in silico prediction for this alteration is inconclusive. Based on the available evidence, the clinical significance of this variant remains unclear.

NM_006648.4(WNK2):c.6505G>A (p.Glu2169Lys)

Gene: WNK2 (WNK lysine deficient protein kinase 2; plus strand). Cytogenetic location: 9q22.31.
Variant type: single nucleotide variant.
Coding change: c.6505G>A on transcript NM_006648.4 (MANE Select); coding-DNA position 6505, G replaced by A.
Protein change: p.Glu2169Lys; replaces glutamic acid 2169 with lysine.
Molecular consequence: missense variant.
Genome position (GRCh38, 1-based): chr9:93,308,573, G>A. VCF-style: chr9-93308573-G-A. GRCh37 (hg19) VCF-style: chr9-96070855-G-A.
Other names: c.6616G>A, p.Glu2206Lys (NM_001282394.3); short protein forms E2206K, E2169K.
Identifiers: ClinVar variation 3470599 (VCV003470599.1).